The following is an entry in ClinVar:

ClinVar aggregate classification (germline): Likely benign. Review status: criteria provided, multiple submitters, no conflicts (2 of 4 stars). 4 submissions from 4 submitters: Likely benign (3). 1 of the submissions does not count toward it. Last evaluated 2026-01-05.

Conditions:
Bone mineral density quantitative trait locus 1 (BMND1). Identifiers: MedGen C1866079, OMIM 601884.
Autosomal dominant osteopetrosis 1 (OPTA1). Also called: OSTEOPETROSIS, AUTOSOMAL DOMINANT, TYPE I. Identifiers: Orphanet 2783, MedGen C1843330, MONDO:0011877, OMIM 607634.
Polycystic liver disease 4 with or without kidney cysts. Identifiers: MedGen C4693479, MONDO:0044327, OMIM 617875.
Exudative vitreoretinopathy 4 (EVR4). Identifiers: Orphanet 891, MedGen C1866176, MONDO:0011151, OMIM 601813.
Worth disease. Also called: OSTEOSCLEROSIS, AUTOSOMAL DOMINANT; ENDOSTEAL HYPEROSTOSIS, AUTOSOMAL DOMINANT; Autosomal dominant osteosclerosis, Worth type. Identifiers: Orphanet 2790, MedGen C0432273, MONDO:0007764, OMIM 144750.
Exudative vitreoretinopathy 1 (EVR1). Also called: FEVR, AUTOSOMAL DOMINANT; Familial exudative vitreoretinopathy, autosomal dominant; CRISWICK-SCHEPENS SYNDROME. Identifiers: Orphanet 891, Orphanet 90050, MedGen C1851402, MONDO:0007589, OMIM 133780.
Osteoporosis with pseudoglioma (OPPG). Also called: osteoporosis-pseudoglioma syndrome. Identifiers: Orphanet 2788, MedGen C0432252, MONDO:0009820, OMIM 259770.
Osteoporosis. Identifiers: MedGen C0029456, MONDO:0005298, OMIM 166710, HP:0000939.
LRP5-related disorder. Also called: LRP5-related condition.

Allele frequency attached by ClinVar (database versions not stated): gnomAD 0.00001 and 0.00003; gnomAD exomes 0.00001 and 0.00006; TOPMed 0.00003; ExAC 0.00004; 1000 Genomes Project 0.00040; 1000 Genomes Project 30x 0.00047.
gnomAD v4.1: 34 of 1,614,202 alleles (0.0021%); highest among the groups gnomAD compares: East Asian, 0.04%; no homozygotes.

Submissions (4):

Labcorp Genetics (formerly Invitae), Labcorp
Classification: Likely benign. Last evaluated: 2026-01-05. Review status: criteria provided, single submitter. Criteria: Invitae Variant Classification Sherloc (09022015). Collection method: clinical testing. Allele origin: germline.

Blueprint Genetics
Classification: Likely benign. Last evaluated: 2024-10-28. Review status: criteria provided, single submitter. Criteria: ACMG Guidelines, 2015. Collection method: clinical testing. Allele origin: germline.

Fulgent Genetics
Classification: Likely benign for Exudative vitreoretinopathy 1; Worth disease; Osteoporosis; Osteoporosis with pseudoglioma; Exudative vitreoretinopathy 4; Bone mineral density quantitative trait locus 1; Autosomal dominant osteopetrosis 1; Polycystic liver disease 4 with or without kidney cysts. Last evaluated: 2021-08-20. Review status: criteria provided, single submitter. Criteria: ACMG Guidelines, 2015. Collection method: clinical testing. Allele origin: unknown.

PreventionGenetics, part of Exact Sciences
Classification: Likely benign for LRP5-related condition. Last evaluated: 2024-02-01. Review status: no assertion criteria provided. Collection method: clinical testing. Allele origin: germline. Not counted in ClinVar's aggregate classification.
Comment: This variant is classified as likely benign based on ACMG/AMP sequence variant interpretation guidelines (Richards et al. 2015 PMID: 25741868, with internal and published modifications).

NM_002335.4(LRP5):c.1707G>A (p.Glu569=)

Gene: LRP5 (LDL receptor related protein 5; plus strand). Cytogenetic location: 11q13.2.
Variant type: single nucleotide variant.
Coding change: c.1707G>A on transcript NM_002335.4 (MANE Select); coding-DNA position 1707, G replaced by A.
Protein change: p.Glu569=; no amino-acid change (glutamic acid 569 retained).
Molecular consequence: synonymous variant. On other transcripts: 5 prime UTR variant (1).
Genome position (GRCh38, 1-based): chr11:68,403,605, G>A. VCF-style: chr11-68403605-G-A. GRCh37 (hg19) VCF-style: chr11-68171073-G-A.
Other names: c.-231G>A (NM_001291902.2).
Identifiers: ClinVar variation 746030 (VCV000746030.13), dbSNP rs199707305, ClinGen allele CA6149413.
Genomic context (GRCh38, chr11:68,403,605, plus strand): 5'-TGGGTTCACGCTGCTGGGGGACTTCATCTACTGGACTGACTGGCAGCGCCGCAGCATCGA[G>A]CGGGTGCACAAGGTCAAGGCCAGCCGGGACGTCATCATTGACCAGCTGCCCGACCTGATG-3'
Protein context (NP_002326.2, residues 559-579): YWTDWQRRSI[Glu569=]RVHKVKASRD